The following is an entry in ClinVar:

ClinVar aggregate classification (germline): Uncertain significance (1 of 4 stars; one submission).

Allele frequency attached by ClinVar (database versions not stated): ExAC 0.00001; gnomAD 0.00001; gnomAD exomes 0.00002.
gnomAD v4.1: 18 of 1,612,938 alleles (0.0011%); highest among the groups gnomAD compares: South Asian, 0.016%; 1 homozygote.

Submission:

Labcorp Genetics (formerly Invitae), Labcorp
Classification: Uncertain significance. Last evaluated: 2021-07-12. Review status: criteria provided, single submitter. Criteria: Invitae Variant Classification Sherloc (09022015). Collection method: clinical testing. Allele origin: germline.
Comment: This sequence change replaces glycine with aspartic acid at codon 794 of the RASGRP1 protein (p.Gly794Asp). The glycine residue is weakly conserved and there is a moderate physicochemical difference between glycine and aspartic acid. This variant is present in population databases (rs759241268, ExAC 0.006%). This variant has not been reported in the literature in individuals with RASGRP1-related conditions. Algorithms developed to predict the effect of missense changes on protein structure and function (SIFT, PolyPhen-2, Align-GVGD) all suggest that this variant is likely to be tolerated, but these predictions have not been confirmed by published functional studies and their clinical significance is uncertain. In summary, the available evidence is currently insufficient to determine the role of this variant in disease. Therefore, it has been classified as a Variant of Uncertain Significance.

NM_005739.4(RASGRP1):c.2381G>A (p.Gly794Asp)

Gene: RASGRP1 (RAS guanyl releasing protein 1; minus strand). Cytogenetic location: 15q14.
Variant type: single nucleotide variant.
Coding change: c.2381G>A on transcript NM_005739.4 (MANE Select); coding-DNA position 2381, G replaced by A.
Protein change: p.Gly794Asp; replaces glycine 794 with aspartic acid.
Molecular consequence: missense variant. On other transcripts: 3 prime UTR variant (1).
Genome position (GRCh38, 1-based): chr15:38,490,567, C>T on the plus strand (G>A on the coding strand, the complement: RASGRP1 is on the minus strand). VCF-style: chr15-38490567-C-T. GRCh37 (hg19) VCF-style: chr15-38782768-C-T.
Other names: c.2276G>A, p.Gly759Asp (NM_001128602.2); c.*96G>A (NM_001306086.2); short protein forms G759D, G794D.
Identifiers: ClinVar variation 1480169 (VCV001480169.6), dbSNP rs759241268, ClinGen allele CA7470623.
Genomic context (GRCh38, chr15:38,490,567, plus strand): 5'-ATGAGATCACTATACTCATCTACAGATTGTGCTACTTAGTTTCTGGGCTAAGAACAGTCA[C>T]CCTGCTCCATTTGAGCTAAGACATGATTGCTTTTTTCAAGCTGGAGGGATTCTATTTTCT-3'
Protein context (NP_005730.2, residues 784-797): SNHVLAQMEQ[Gly794Asp]DCS